The following is an entry in ClinVar:

ClinVar aggregate classification (germline): Likely pathogenic (1 of 4 stars; one submission).

Conditions:
Abetalipoproteinaemia (ABL). Also called: Abetalipoproteinemia; Abetalipoproteinemia neuropathy; Apolipoprotein B deficiency; Congenital betalipoprotein deficiency syndrome; MTP DEFICIENCY. Identifiers: Orphanet 14, MedGen C0000744, MONDO:0008692, OMIM 200100, HP:0008181.

Submission:

Myriad Genetics, Inc.
Classification: Likely pathogenic for Abetalipoproteinaemia. Last evaluated: 2021-11-09. Review status: criteria provided, single submitter. Criteria: Myriad Women's Health Autosomal Recessive and X-Linked Classification Criteria (2021). Collection method: clinical testing. Allele origin: unknown.
Comment: NM_000253.2(MTTP):c.1756G>T(E586*) is expected to be pathogenic in the context of abetalipoproteinemia. This variant is predicted to lead to an abnormal or absent protein product due to the creation of a premature termination codon in MTTP, a gene where loss-of-function variants are known to be pathogenic. Please note: this variant was assessed in the context of healthy population screening.

NM_001386140.1(MTTP):c.1756G>T (p.Glu586Ter)

Gene: MTTP (microsomal triglyceride transfer protein; plus strand). Cytogenetic location: 4q23.
Variant type: single nucleotide variant.
Coding change: c.1756G>T on transcript NM_001386140.1 (MANE Select); coding-DNA position 1756, G replaced by T.
Protein change: p.Glu586Ter; replaces glutamic acid 586 with a stop codon.
Molecular consequence: nonsense.
Genome position (GRCh38, 1-based): chr4:99,608,964, G>T. VCF-style: chr4-99608964-G-T. GRCh37 (hg19) VCF-style: chr4-100530121-G-T.
Other names: c.1756G>T, p.Glu586Ter (NM_000253.4); c.1507G>T, p.Glu503Ter (NM_001300785.2); short protein forms E503*, E586*.
Identifiers: ClinVar variation 1724329 (VCV001724329.2), dbSNP rs2476141732, ClinGen allele CA357513531.